The following is an entry in ClinVar:

NM_001173467.3(SP7):c.773G>A (p.Gly258Asp)

Gene: SP7 (Sp7 transcription factor; minus strand). Cytogenetic location: 12q13.13.
Variant type: single nucleotide variant.
Coding change: c.773G>A on transcript NM_001173467.3 (MANE Select); coding-DNA position 773, G replaced by A.
Protein change: p.Gly258Asp; replaces glycine 258 with aspartic acid.
Molecular consequence: missense variant.
Genome position (GRCh38, 1-based): chr12:53,328,669, C>T on the plus strand (G>A on the coding strand, the complement: SP7 is on the minus strand). VCF-style: chr12-53328669-C-T. GRCh37 (hg19) VCF-style: chr12-53722453-C-T.
Other names: c.719G>A, p.Gly240Asp (NM_001300837.2); c.773G>A, p.Gly258Asp (NM_152860.2); short protein forms G240D, G258D.
Identifiers: ClinVar variation 1976106 (VCV001976106.5), dbSNP rs1237087391, ClinGen allele CA385052559.

ClinVar aggregate classification (germline): Uncertain significance (1 of 4 stars; one submission).

Submission:

Labcorp Genetics (formerly Invitae), Labcorp
Classification: Uncertain significance. Last evaluated: 2022-08-23. Review status: criteria provided, single submitter. Criteria: Invitae Variant Classification Sherloc (09022015). Collection method: clinical testing. Allele origin: germline.
Comment: This sequence change replaces glycine, which is neutral and non-polar, with aspartic acid, which is acidic and polar, at codon 258 of the SP7 protein (p.Gly258Asp). This variant is present in population databases (no rsID available, gnomAD 0.0009%). This variant has not been reported in the literature in individuals affected with SP7-related conditions. Algorithms developed to predict the effect of missense changes on protein structure and function are either unavailable or do not agree on the potential impact of this missense change (SIFT: "Deleterious"; PolyPhen-2: "Possibly Damaging"; Align-GVGD: "Class C0"). In summary, the available evidence is currently insufficient to determine the role of this variant in disease. Therefore, it has been classified as a Variant of Uncertain Significance.